The following is an entry in ClinVar:

NM_015450.3(POT1):c.268A>G (p.Lys90Glu)

Gene: POT1 (protection of telomeres 1; minus strand). Cytogenetic location: 7q31.33.
Variant type: single nucleotide variant.
Coding change: c.268A>G on transcript NM_015450.3 (MANE Select); coding-DNA position 268, A replaced by G.
Protein change: p.Lys90Glu; replaces lysine 90 with glutamic acid.
Molecular consequence: missense variant. On other transcripts: 5 prime UTR variant (1), non-coding transcript variant (3).
Genome position (GRCh38, 1-based): chr7:124,863,628, T>C on the plus strand (A>G on the coding strand, the complement: POT1 is on the minus strand). VCF-style: chr7-124863628-T-C. GRCh37 (hg19) VCF-style: chr7-124503682-T-C.
Other names: c.-126A>G (NM_001042594.2); short protein forms K90E.
Identifiers: ClinVar variation 475077 (VCV000475077.11), dbSNP rs1554427012, ClinGen allele CA369060542.
Genomic context (GRCh38, chr7:124,863,628, plus strand): 5'-AAGTTCCCTCAAACGTCAAAGATGCAAAGCCAGAGCTGGTGATACCCTGAGTCTCCTTTT[T>C]ATATACTTGAATCTAAGAAAGTAGGGCAAAGTAGAAAACAGATACAAATAAAATAGCTTA-3'
Protein context (NP_056265.2, residues 80-100): RFHRLKIQVY[Lys90Glu]KETQGITSSG

ClinVar aggregate classification (germline): Conflicting classifications of pathogenicity. Review status: criteria provided, conflicting classifications (1 of 4 stars). 3 submissions from 3 submitters: Likely pathogenic (1); Uncertain significance (2). Last evaluated 2026-05-21.

Conditions:
POT1-related disorder. Also called: POT1-related condition.
Tumor predisposition syndrome 3 (TPDS3). Also called: Melanoma, cutaneous malignant, susceptibility to, 10; Glioma susceptibility 9; LONG TELOMERE SYNDROME, POT1-RELATED; POT1 Tumor Predisposition. Identifiers: Orphanet 618, MedGen C4014476, MONDO:0014368, OMIM 615848.
Hereditary cancer-predisposing syndrome. Also called: Neoplastic Syndromes, Hereditary; Hereditary Cancer Syndrome; Tumor predisposition; Hereditary neoplastic syndrome. Identifiers: Orphanet 140162, MedGen C0027672, MeSH D009386, MONDO:0015356.

Allele frequency attached by ClinVar (database versions not stated): gnomAD 0.00001.
gnomAD v4.1: 2 of 1,609,414 alleles (0.00012%); highest among the groups gnomAD compares: Non-Finnish European, 0.00017%; no homozygotes.

Submissions (3):

PreventionGenetics, part of Exact Sciences
Classification: Uncertain significance for POT1-related condition. Last evaluated: 2026-05-21. Review status: criteria provided, single submitter. Criteria: ACMG Guidelines, 2015. Collection method: clinical testing. Allele origin: germline.
Comment: The POT1 c.268A>G variant is predicted to result in the amino acid substitution p.Lys90Glu. This variant has been reported as germline in multiple related individuals with melanoma and additional cancers and was shown to segregate with disease in the family (Wilson et al. 2017. PubMed ID: 28389767). Functional studies have demonstrated that this variant impairs POT1 function (Pinzaru et al. 2016. PubMed ID: 27239034). This variant has not been reported in a large population database (gnomAD), indicating this variant is rare. This variant has conflicting interpretations ranging from likely pathogenic to uncertain significance in ClinVar (Variation ID: 475077). Although we suspect that this variant may be pathogenic, at this time, the clinical significance of this variant is uncertain due to the absence of conclusive functional and genetic evidence.

Ambry Genetics
Classification: Uncertain significance for Hereditary cancer-predisposing syndrome. Last evaluated: 2024-04-23. Review status: criteria provided, single submitter. Criteria: Ambry Variant Classification Scheme 2023. Collection method: clinical testing. Allele origin: germline.
Comment: The p.K90E variant (also known as c.268A>G), located in coding exon 4 of the POT1 gene, results from an A to G substitution at nucleotide position 268. The lysine at codon 90 is replaced by glutamic acid, an amino acid with similar properties. This variant has been observed in individuals with a personal and/or family history that is consistent with POT1-associated disease, and was shown to segregate with diseases in at least one family (Wilson TL et al. Fam Cancer, 2017 Oct;16:561-566; Ambry internal data). Functional studies suggest some telomere dysfunction; however, additional evidence is needed to confirm this finding (Pinzaru AM et al. Cell Rep, 2016 Jun;15:2170-2184). This amino acid position is not well conserved in available vertebrate species. In addition, this alteration is predicted to be tolerated by in silico analysis. Based on the available evidence, the clinical significance of this variant remains unclear.

Labcorp Genetics (formerly Invitae), Labcorp
Classification: Likely pathogenic for Tumor predisposition syndrome 3. Last evaluated: 2023-05-02. Review status: criteria provided, single submitter. Criteria: Invitae Variant Classification Sherloc (09022015). Collection method: clinical testing. Allele origin: germline.
Comment: In summary, the currently available evidence indicates that the variant is pathogenic, but additional data are needed to prove that conclusively. Therefore, this variant has been classified as Likely Pathogenic. This sequence change replaces lysine, which is basic and polar, with glutamic acid, which is acidic and polar, at codon 90 of the POT1 protein (p.Lys90Glu). This variant is not present in population databases (gnomAD no frequency). This missense change has been observed in individuals with POT1-related conditions (PMID: 28389767; Invitae). It has also been observed to segregate with disease in related individuals. ClinVar contains an entry for this variant (Variation ID: 475077). Advanced modeling of protein sequence and biophysical properties (such as structural, functional, and spatial information, amino acid conservation, physicochemical variation, residue mobility, and thermodynamic stability) performed at Invitae indicates that this missense variant is not expected to disrupt POT1 protein function. Experimental studies have shown that this missense change affects POT1 function (PMID: 27239034).

Literature cited by the submitters: PubMed 27239034 (cited by Ambry Genetics and Labcorp Genetics (formerly Invitae), Labcorp); PubMed 28389767 (cited by Ambry Genetics and Labcorp Genetics (formerly Invitae), Labcorp); PubMed 33122293 (cited by Ambry Genetics).